The following is an entry in ClinVar:

NM_001005242.3(PKP2):c.1870A>G (p.Lys624Glu)

Gene: PKP2 (plakophilin 2; minus strand). Cytogenetic location: 12p11.21.
Variant type: single nucleotide variant.
Coding change: c.1870A>G on transcript NM_001005242.3 (MANE Select); coding-DNA position 1870, A replaced by G.
Protein change: p.Lys624Glu; replaces lysine 624 with glutamic acid.
Molecular consequence: missense variant.
Genome position (GRCh38, 1-based): chr12:32,821,499, T>C on the plus strand (A>G on the coding strand, the complement: PKP2 is on the minus strand). VCF-style: chr12-32821499-T-C. GRCh37 (hg19) VCF-style: chr12-32974433-T-C.
Other names: c.1870A>G, p.Lys624Glu (NM_001407155.1, NM_001407161.1); c.1705A>G, p.Lys569Glu (NM_001407156.1); c.2002A>G, p.Lys668Glu (NM_001407157.1, NM_004572.4); c.1543A>G, p.Lys515Glu (NM_001407158.1, NM_001407159.1, NM_001407160.1 and 1 more transcripts); short protein forms K668E, K569E, K624E, K515E.
Identifiers: ClinVar variation 3010342 (VCV003010342.3), dbSNP rs2541229772, ClinGen allele CA384362278.

ClinVar aggregate classification (germline): Uncertain significance (1 of 4 stars; one submission).

Conditions:
Arrhythmogenic right ventricular dysplasia 9 (ARVD9). Also called: Arrhythmogenic Right Ventricular Dysplasia/Cardiomyopathy 9; ARRHYTHMOGENIC RIGHT VENTRICULAR DYSPLASIA, FAMILIAL, 9. Identifiers: MedGen C1836906, MONDO:0012180, OMIM 609040.

Allele frequency attached by ClinVar (database versions not stated): gnomAD exomes below 0.00001.
gnomAD v4.1: 1 of 1,614,014 alleles (0.000062%); highest among the groups gnomAD compares: African/African-American, 0.0013%; no homozygotes.

Submission:

Labcorp Genetics (formerly Invitae), Labcorp
Classification: Uncertain significance for Arrhythmogenic right ventricular dysplasia 9. Last evaluated: 2024-04-06. Review status: criteria provided, single submitter. Criteria: Invitae Variant Classification Sherloc (09022015). Collection method: clinical testing. Allele origin: germline.
Comment: This sequence change replaces lysine, which is basic and polar, with glutamic acid, which is acidic and polar, at codon 668 of the PKP2 protein (p.Lys668Glu). This variant is not present in population databases (gnomAD no frequency). This variant has not been reported in the literature in individuals affected with PKP2-related conditions. An algorithm developed to predict the effect of missense changes on protein structure and function (PolyPhen-2) suggests that this variant is likely to be disruptive. In summary, the available evidence is currently insufficient to determine the role of this variant in disease. Therefore, it has been classified as a Variant of Uncertain Significance.